The following is an entry in ClinVar:

ClinVar aggregate classification (germline): Pathogenic (1 of 4 stars; one submission).

Conditions:
RPE65-related recessive retinopathy. Also called: Recessive RPE65 retinopathy. Identifiers: MedGen CN305526, MONDO:0100368.

Submission:

Myriad Genetics, Inc.
Classification: Pathogenic for RPE65-related recessive retinopathy. Last evaluated: 2025-12-24. Review status: criteria provided, single submitter. Criteria: Myriad Autosomal Dominant, Autosomal Recessive and X-Linked Classification Criteria (2023). Collection method: clinical testing. Allele origin: unknown.
Comment: NM_000329.2(RPE65):c.211_212delGA(D71Lfs*2) is expected to be pathogenic in the context of inherited retinal dystrophy, RPE65-related. This variant is predicted to lead to an abnormal or absent protein product due to the creation of a premature termination codon in RPE65, a gene where loss-of-function variants are known to be pathogenic. Please note: this variant was assessed in the context of healthy population screening.

NM_000329.3(RPE65):c.211_212del (p.Asp71fs)

Gene: RPE65 (retinoid isomerohydrolase RPE65; minus strand). Cytogenetic location: 1p31.3.
Variant type: Deletion.
Coding change: c.211_212del on transcript NM_000329.3 (MANE Select); coding-DNA positions 211 to 212, 2 bases deleted (GA; older notation c.211_212delGA).
Protein change: p.Asp71fs; shifts the reading frame from aspartic acid 71.
Molecular consequence: frameshift variant. On other transcripts: 5 prime UTR variant (1), intron variant (1).
Genome position (GRCh38, 1-based): chr1:68,446,743-68,446,744, TC deleted on the plus strand (GA on the coding strand, the reverse complement: RPE65 is on the minus strand). VCF-style (leftmost placement, unchanged base first): chr1-68446742-GTC-G. GRCh37 (hg19) VCF-style: chr1-68912425-GTC-G.
Other names: c.211_212del, p.Asp71fs (NM_001406853.1, NM_001406859.1, NM_001406860.1); c.-66_-65del (NM_001406857.1); c.-31-1861_-31-1860del (NM_001406856.1); short protein forms D71fs.
Identifiers: ClinVar variation 5015363 (VCV005015363.1).
Genomic context (GRCh38, chr1:68,446,742, plus strand): 5'-GGAGGAGTGGCATGGAGTGCTGCTTTACCTTCTGTGGTATGTGACATGTCCTTCTTTAAA[GTC>G]AAACTTGTGCAGGAGGGCTTGCCCATCAAACAGGTGGTAAAATGGCTCAGATCCAACTTC-3'